The following is an entry in ClinVar:

NM_000548.5(TSC2):c.1503C>A (p.Asp501Glu)

Gene: TSC2 (TSC complex subunit 2; plus strand). Cytogenetic location: 16p13.3.
Variant type: single nucleotide variant.
Coding change: c.1503C>A on transcript NM_000548.5 (MANE Select); coding-DNA position 1503, C replaced by A.
Protein change: p.Asp501Glu; replaces aspartic acid 501 with glutamic acid.
Molecular consequence: missense variant.
Genome position (GRCh38, 1-based): chr16:2,064,331, C>A. VCF-style: chr16-2064331-C-A. GRCh37 (hg19) VCF-style: chr16-2114332-C-A.
Other names: c.1503C>A (NM_000548.3); c.1503C>A, p.Asp501Glu (NM_001077183.3, NM_001114382.3, NM_001363528.2 and 3 more transcripts); c.1392C>A, p.Asp464Glu (NM_001318827.2); c.1356C>A, p.Asp452Glu (NM_001318829.2); c.903C>A, p.Asp301Glu (NM_001318831.2); c.1536C>A, p.Asp512Glu (NM_001318832.2); short protein forms D301E, D452E, D464E, D501E, D512E.
Identifiers: ClinVar variation 4866098 (VCV004866098.1), dbSNP rs2087016490.

ClinVar aggregate classification (germline): Uncertain significance (1 of 4 stars; one submission).

Conditions:
Hereditary cancer-predisposing syndrome. Also called: Neoplastic Syndromes, Hereditary; Tumor predisposition; Hereditary Cancer Syndrome; Hereditary neoplastic syndrome. Identifiers: Orphanet 140162, MedGen C0027672, MeSH D009386, MONDO:0015356.

gnomAD v4.1: 1 of 1,613,850 alleles (0.000062%); no homozygotes.

Submission:

Ambry Genetics
Classification: Uncertain significance for Hereditary cancer-predisposing syndrome. Last evaluated: 2026-04-23. Review status: criteria provided, single submitter. Criteria: Ambry Variant Classification Scheme 2023. Collection method: clinical testing. Allele origin: germline.
Comment: The p.D501E variant (also known as c.1503C>A), located in coding exon 14 of the TSC2 gene, results from a C to A substitution at nucleotide position 1503. The aspartic acid at codon 501 is replaced by glutamic acid, an amino acid with highly similar properties. This amino acid position is highly conserved in available vertebrate species. In addition, the in silico prediction for this alteration is inconclusive. Based on the available evidence, the clinical significance of this variant remains unclear.